The following is an entry in ClinVar:

ClinVar aggregate classification (germline): Likely benign (1 of 4 stars; one submission).

gnomAD v4.1: 10 of 1,537,018 alleles (0.00065%); highest among the groups gnomAD compares: African/African-American, 0.0097%; no homozygotes.

Submission:

CeGaT Center for Human Genetics Tuebingen
Classification: Likely benign. Last evaluated: 2025-02-01. Review status: criteria provided, single submitter. Criteria: CeGaT Center For Human Genetics Tuebingen Variant Classification Criteria Version 2. Collection method: clinical testing. Allele origin: germline. Affected: yes. Observed: 1 variant allele.
Comment: BICRA: BP4, BP7

NM_001394372.1(BICRA):c.4062G>A (p.Pro1354=)

Gene: BICRA (BRD4 interacting chromatin remodeling complex associated protein; plus strand). Cytogenetic location: 19q13.33.
Variant type: single nucleotide variant.
Coding change: c.4062G>A on transcript NM_001394372.1 (MANE Select); coding-DNA position 4062, G replaced by A.
Protein change: p.Pro1354=; no amino-acid change (proline 1354 retained).
Molecular consequence: synonymous variant.
Genome position (GRCh38, 1-based): chr19:47,701,794, G>A. VCF-style: chr19-47701794-G-A. GRCh37 (hg19) VCF-style: chr19-48205051-G-A.
Other names: c.4062G>A, p.Pro1354= (NM_015711.3).
Identifiers: ClinVar variation 3771165 (VCV003771165.13).